The following is an entry in ClinVar:

NM_005422.4(TECTA):c.5502C>G (p.Asp1834Glu)

Genes: TBCEL-TECTA (TBCEL-TECTA readthrough; plus strand), TECTA (tectorin alpha; plus strand). Cytogenetic location: 11q23.3.
Variant type: single nucleotide variant.
Coding change: c.5502C>G on transcript NM_005422.4 (MANE Select); coding-DNA position 5502, C replaced by G.
Protein change: p.Asp1834Glu; replaces aspartic acid 1834 with glutamic acid.
Molecular consequence: missense variant.
Genome position (GRCh38, 1-based): chr11:121,166,696, C>G. VCF-style: chr11-121166696-C-G. GRCh37 (hg19) VCF-style: chr11-121037405-C-G.
Other names: c.6444C>G, p.Asp2148Glu (NM_001378761.1); short protein forms D1834E, D2148E.
Identifiers: ClinVar variation 4800642 (VCV004800642.1).
Genomic context (GRCh38, chr11:121,166,696, plus strand): 5'-CATATCTAAGTGCAAGCTCTTCCAGCTCGGTTTTGAGAGGGAGGGCGTGAGGATCAATGA[C>G]AGACAGTGCACCGGCATCGAGGGGGAAGATTTTATCTCCTTTCAGATCAACAACACCAAA-3'
Protein context (NP_005413.2, residues 1824-1844): GFEREGVRIN[Asp1834Glu]RQCTGIEGED

ClinVar aggregate classification (germline): Uncertain significance (1 of 4 stars; one submission).

Submission:

Labcorp Genetics (formerly Invitae), Labcorp
Classification: Uncertain significance. Last evaluated: 2025-04-02. Review status: criteria provided, single submitter. Criteria: Invitae Variant Classification Sherloc (09022015). Collection method: clinical testing. Allele origin: germline.
Comment: This sequence change replaces aspartic acid, which is acidic and polar, with glutamic acid, which is acidic and polar, at codon 1834 of the TECTA protein (p.Asp1834Glu). This variant is not present in population databases (gnomAD no frequency). This variant has not been reported in the literature in individuals affected with TECTA-related conditions. Invitae Evidence Modeling of protein sequence and biophysical properties (such as structural, functional, and spatial information, amino acid conservation, physicochemical variation, residue mobility, and thermodynamic stability) indicates that this missense variant is not expected to disrupt TECTA protein function with a negative predictive value of 95%. In summary, the available evidence is currently insufficient to determine the role of this variant in disease. Therefore, it has been classified as a Variant of Uncertain Significance.